The following is an entry in ClinVar:

NC_000022.10:g.(?_29083885)_(29130709_?)dup

Gene: CHEK2 (checkpoint kinase 2; minus strand). Cytogenetic location: 22q12.1.
Variant type: Duplication.
Identifiers: ClinVar variation 3247502 (VCV003247502.1).

ClinVar aggregate classification (germline): Uncertain significance (1 of 4 stars; one submission).

Conditions:
Familial cancer of breast. Also called: BREAST CANCER, FAMILIAL; Hereditary breast cancer; hereditary breast carcinoma. Identifiers: Orphanet 227535, MedGen C0346153, MONDO:0016419, OMIM 114480. Disease mechanism: loss of function.

Submission:

Labcorp Genetics (formerly Invitae), Labcorp
Classification: Uncertain significance for Familial cancer of breast. Last evaluated: 2023-12-18. Review status: criteria provided, single submitter. Criteria: Invitae Variant Classification Sherloc (09022015). Collection method: clinical testing. Allele origin: unknown.
Comment: A copy number gain of the genomic region encompassing the full coding sequence of the CHEK2 gene has been identified. The boundaries of this event are unknown as they extend beyond the assayed region for this gene and therefore may encompass additional genes. As the precise location of this event is unknown, it may be in tandem or it may be located elsewhere in the genome. This variant has not been reported in the literature in individuals affected with CHEK2-related conditions. Experimental studies and prediction algorithms are not available or were not evaluated, and the functional significance of this variant is currently unknown. In summary, the available evidence is currently insufficient to determine the role of this variant in disease. Therefore, it has been classified as a Variant of Uncertain Significance.